The following is an entry in ClinVar:

NM_001165963.4(SCN1A):c.2769C>T (p.Ile923=)

Gene: SCN1A (sodium voltage-gated channel alpha subunit 1; minus strand). Cytogenetic location: 2q24.3.
Variant type: single nucleotide variant.
Coding change: c.2769C>T on transcript NM_001165963.4 (MANE Select); coding-DNA position 2769, C replaced by T.
Protein change: p.Ile923=; no amino-acid change (isoleucine 923 retained).
Molecular consequence: synonymous variant. On other transcripts: non-coding transcript variant (1).
Genome position (GRCh38, 1-based): chr2:166,037,953, G>A on the plus strand (C>T on the coding strand, the complement: SCN1A is on the minus strand). VCF-style: chr2-166037953-G-A. GRCh37 (hg19) VCF-style: chr2-166894463-G-A.
Other names: c.2685C>T, p.Ile895= (NM_001165964.3, NM_001353957.2, NM_001353958.2); c.2769C>T, p.Ile923= (NM_001202435.3, NM_001353948.2); c.2736C>T, p.Ile912= (NM_001353949.2, NM_001353950.2, NM_001353951.2 and 2 more transcripts); c.2733C>T, p.Ile911= (NM_001353954.2, NM_001353955.2); c.2682C>T, p.Ile894= (NM_001353960.2); c.327C>T, p.Ile109= (NM_001353961.2).
Identifiers: ClinVar variation 74190 (VCV000074190.1), dbSNP rs267598969, ClinGen allele CA1943050.

ClinVar aggregate classification (germline): Likely benign (1 of 4 stars; one submission).

Allele frequency attached by ClinVar (database versions not stated): ExAC 0.00001; gnomAD exomes below 0.00001.
gnomAD v4.1: 8 of 1,614,156 alleles (0.0005%); highest among the groups gnomAD compares: East Asian, 0.0022%; no homozygotes.

Submission:

GeneDx
Classification: Likely benign. Last evaluated: 2016-09-16. Review status: criteria provided, single submitter. Criteria: GeneDx Variant Classification (06012015). Collection method: clinical testing. Allele origin: germline. Affected: yes.
Comment: This variant is considered likely benign or benign based on one or more of the following criteria: it is a conservative change, it occurs at a poorly conserved position in the protein, it is predicted to be benign by multiple in silico algorithms, and/or has population frequency not consistent with disease.